The following is an entry in ClinVar:

NM_004304.5(ALK):c.1509C>T (p.Val503=)

Gene: ALK (ALK receptor tyrosine kinase; minus strand). Cytogenetic location: 2p23.2.
Variant type: single nucleotide variant.
Coding change: c.1509C>T on transcript NM_004304.5 (MANE Select); coding-DNA position 1509, C replaced by T.
Protein change: p.Val503=; no amino-acid change (valine 503 retained).
Molecular consequence: synonymous variant.
Genome position (GRCh38, 1-based): chr2:29,320,788, G>A on the plus strand (C>T on the coding strand, the complement: ALK is on the minus strand). VCF-style: chr2-29320788-G-A. GRCh37 (hg19) VCF-style: chr2-29543654-G-A.
Identifiers: ClinVar variation 4670612 (VCV004670612.1).

ClinVar aggregate classification (germline): Uncertain significance (1 of 4 stars; one submission).

Conditions:
Hereditary cancer-predisposing syndrome. Also called: Neoplastic Syndromes, Hereditary; Tumor predisposition; Hereditary Cancer Syndrome; Hereditary neoplastic syndrome. Identifiers: Orphanet 140162, MedGen C0027672, MeSH D009386, MONDO:0015356.

gnomAD v4.1: 1 of 1,614,058 alleles (0.000062%); highest among the groups gnomAD compares: African/African-American, 0.0013%; no homozygotes.

Submission:

Ambry Genetics
Classification: Uncertain significance for Hereditary cancer-predisposing syndrome. Last evaluated: 2025-09-19. Review status: criteria provided, single submitter. Criteria: Ambry Variant Classification Scheme 2023. Collection method: clinical testing. Allele origin: germline.
Comment: The c.1509C>T variant (also known as p.V503V), located in coding exon 7 of the ALK gene, results from a C to T substitution at nucleotide position 1509. This nucleotide substitution does not change the amino acid at codon 503. This nucleotide position is not well conserved in available vertebrate species. In silico splice site analysis for this alteration is inconclusive. Based on the available evidence, the clinical significance of this variant remains unclear.